The following is an entry in ClinVar:

NM_025137.4(SPG11):c.3335A>G (p.Asp1112Gly)

Gene: SPG11 (SPG11 vesicle trafficking associated, spatacsin; minus strand). Cytogenetic location: 15q21.1.
Variant type: single nucleotide variant.
Coding change: c.3335A>G on transcript NM_025137.4 (MANE Select); coding-DNA position 3335, A replaced by G.
Protein change: p.Asp1112Gly; replaces aspartic acid 1112 with glycine.
Molecular consequence: missense variant.
Genome position (GRCh38, 1-based): chr15:44,608,562, T>C on the plus strand (A>G on the coding strand, the complement: SPG11 is on the minus strand). VCF-style: chr15-44608562-T-C. GRCh37 (hg19) VCF-style: chr15-44900760-T-C.
Other names: c.3335A>G, p.Asp1112Gly (NM_001160227.2); c.3335A>G (NM_025137.3); short protein forms D1112G.
Identifiers: ClinVar variation 1421096 (VCV001421096.6), dbSNP rs950287511, ClinGen allele CA270062662.

ClinVar aggregate classification (germline): Uncertain significance. Review status: criteria provided, multiple submitters, no conflicts (2 of 4 stars). 2 submissions from 2 submitters: Uncertain significance (2). Last evaluated 2025-11-12.

Conditions:
Inborn genetic diseases. Identifiers: MedGen C0950123, MeSH D030342.
Hereditary spastic paraplegia 11. Also called: Nakamura Osame syndrome; Autosomal recessive hereditary spastic paraplegia, mental impairment, and thin corpus callosum; Spastic Paraplegia 11; Spastic paraplegia, mental retardation and thin corpus callosum; SPASTIC PARAPLEGIA, AUTOSOMAL RECESSIVE, COMPLICATED, WITH THIN CORPUS CALLOSUM; SPASTIC PARAPLEGIA, AUTOSOMAL RECESSIVE, WITH MENTAL IMPAIRMENT AND THIN CORPUS CALLOSUM. Identifiers: Orphanet 2822, MedGen C1858479, MONDO:0011445, OMIM 604360.

Allele frequency attached by ClinVar (database versions not stated): gnomAD exomes below 0.00001; TOPMed below 0.00001.
gnomAD v4.1: 2 of 1,614,092 alleles (0.00012%); highest among the groups gnomAD compares: African/African-American, 0.0027%; no homozygotes.

Submissions (2):

Ambry Genetics
Classification: Uncertain significance for Inborn genetic diseases. Last evaluated: 2025-11-12. Review status: criteria provided, single submitter. Criteria: Ambry Variant Classification Scheme 2023. Collection method: clinical testing. Allele origin: germline.

Labcorp Genetics (formerly Invitae), Labcorp
Classification: Uncertain significance for Hereditary spastic paraplegia 11. Last evaluated: 2021-12-02. Review status: criteria provided, single submitter. Criteria: Invitae Variant Classification Sherloc (09022015). Collection method: clinical testing. Allele origin: germline.
Comment: This sequence change replaces aspartic acid, which is acidic and polar, with glycine, which is neutral and non-polar, at codon 1112 of the SPG11 protein (p.Asp1112Gly). This variant is present in population databases (no rsID available, gnomAD 0.007%). This variant has not been reported in the literature in individuals affected with SPG11-related conditions. Algorithms developed to predict the effect of missense changes on protein structure and function are either unavailable or do not agree on the potential impact of this missense change (SIFT: "Deleterious"; PolyPhen-2: "Possibly Damaging"; Align-GVGD: "Class C15"). In summary, the available evidence is currently insufficient to determine the role of this variant in disease. Therefore, it has been classified as a Variant of Uncertain Significance.